The following is an entry in ClinVar:

NM_001614.5(ACTG1):c.360T>G (p.Thr120=)

Gene: ACTG1 (actin gamma 1; minus strand). Cytogenetic location: 17q25.3.
Variant type: single nucleotide variant.
Coding change: c.360T>G on transcript NM_001614.5 (MANE Select); coding-DNA position 360, T replaced by G.
Protein change: p.Thr120=; no amino-acid change (threonine 120 retained).
Molecular consequence: synonymous variant. On other transcripts: non-coding transcript variant (1).
Genome position (GRCh38, 1-based): chr17:81,511,906, A>C on the plus strand (T>G on the coding strand, the complement: ACTG1 is on the minus strand). VCF-style: chr17-81511906-A-C. GRCh37 (hg19) VCF-style: chr17-79478932-A-C.
Other names: c.360T>G, p.Thr120= (NM_001199954.3).
Identifiers: ClinVar variation 515810 (VCV000515810.1), dbSNP rs1555667040, ClinGen allele CA502419554.

ClinVar aggregate classification (germline): Likely benign (1 of 4 stars; one submission).

Submission:

GeneDx
Classification: Likely benign. Last evaluated: 2018-03-02. Review status: criteria provided, single submitter. Criteria: GeneDx Variant Classification (06012015). Collection method: clinical testing. Allele origin: germline. Affected: yes.
Comment: This variant is considered likely benign or benign based on one or more of the following criteria: it is a conservative change, it occurs at a poorly conserved position in the protein, it is predicted to be benign by multiple in silico algorithms, and/or has population frequency not consistent with disease.